The following is an entry in ClinVar:

NM_001005361.3(DNM2):c.37G>A (p.Val13Ile)

Genes: DNM2 (dynamin 2; plus strand), LOC130063529 (ATAC-STARR-seq lymphoblastoid silent region 10090; plus strand). Cytogenetic location: 19p13.2.
Variant type: single nucleotide variant.
Coding change: c.37G>A on transcript NM_001005361.3 (MANE Select); coding-DNA position 37, G replaced by A.
Protein change: p.Val13Ile; replaces valine 13 with isoleucine.
Molecular consequence: missense variant.
Genome position (GRCh38, 1-based): chr19:10,718,279, G>A. VCF-style: chr19-10718279-G-A. GRCh37 (hg19) VCF-style: chr19-10828955-G-A.
Other names: c.37G>A, p.Val13Ile (NM_001005360.3, NM_001005362.3, NM_001190716.2 and 1 more transcripts); short protein forms V13I.
Identifiers: ClinVar variation 1935222 (VCV001935222.5), dbSNP rs1479865077, ClinGen allele CA404046461.

ClinVar aggregate classification (germline): Uncertain significance (1 of 4 stars; one submission).

Conditions:
Charcot-Marie-Tooth disease dominant intermediate B (CMTDIB). Also called: CHARCOT-MARIE-TOOTH NEUROPATHY, DOMINANT INTERMEDIATE B; Charcot-Marie-Tooth disease dominant intermediate 1; CMT DI1; Charcot-Marie-Tooth disease dominant intermediate I. Identifiers: Orphanet 100044, Orphanet 228179, MedGen C1847902, MONDO:0011674, OMIM 606482.

Submission:

Labcorp Genetics (formerly Invitae), Labcorp
Classification: Uncertain significance for Charcot-Marie-Tooth disease dominant intermediate B. Last evaluated: 2023-08-10. Review status: criteria provided, single submitter. Criteria: Invitae Variant Classification Sherloc (09022015). Collection method: clinical testing. Allele origin: germline.
Comment: Advanced modeling of protein sequence and biophysical properties (such as structural, functional, and spatial information, amino acid conservation, physicochemical variation, residue mobility, and thermodynamic stability) has been performed at Invitae for this missense variant, however the output from this modeling did not meet the statistical confidence thresholds required to predict the impact of this variant on DNM2 protein function. In summary, the available evidence is currently insufficient to determine the role of this variant in disease. Therefore, it has been classified as a Variant of Uncertain Significance. ClinVar contains an entry for this variant (Variation ID: 1935222). This variant has not been reported in the literature in individuals affected with DNM2-related conditions. The frequency data for this variant in the population databases is considered unreliable, as metrics indicate poor data quality at this position in the gnomAD database. This sequence change replaces valine, which is neutral and non-polar, with isoleucine, which is neutral and non-polar, at codon 13 of the DNM2 protein (p.Val13Ile).